The following is an entry in ClinVar:

NM_001401501.2(MUC16):c.40768+5G>A

Gene: MUC16 (mucin 16, cell surface associated; minus strand). Cytogenetic location: 19p13.2.
Variant type: single nucleotide variant.
Coding change: c.40768+5G>A on transcript NM_001401501.2 (MANE Select); 5 bases into the intron after coding-DNA position 40768, G replaced by A.
Molecular consequence: intron variant.
Genome position (GRCh38, 1-based): chr19:8,889,761, C>T on the plus strand (G>A on the coding strand, the complement: MUC16 is on the minus strand). VCF-style: chr19-8889761-C-T. GRCh37 (hg19) VCF-style: chr19-9000437-C-T.
Other names: NC_000019.9:g.9000437C>T; c.41194+5G>A (NM_001414686.1); c.40648+5G>A (NM_001414687.1); c.40542+5G>A (NM_024690.2).
Identifiers: ClinVar variation 2649220 (VCV002649220.25), dbSNP rs200335034, ClinGen allele CA9163322.

ClinVar aggregate classification (germline): Likely benign (1 of 4 stars; one submission).

Allele frequency attached by ClinVar (database versions not stated): 1000 Genomes Project 30x 0.00016; 1000 Genomes Project 0.00020; ExAC 0.00068; ESP Exome Variant Server 0.00081; gnomAD 0.00081.

Submissions (2):

CeGaT Center for Human Genetics Tuebingen
Classification: Likely benign. Last evaluated: 2023-01-01. Review status: criteria provided, single submitter. Criteria: CeGaT Center For Human Genetics Tuebingen Variant Classification Criteria Version 2. Collection method: clinical testing. Allele origin: germline. Affected: yes. Observed: 1 variant allele.
Comment: MUC16: BP4

Dr. Peter K. Rogan Lab, Western University
No classification provided (evidence only). Condition: Cervical cancer. Review status: no classification provided. Collection method: in vitro. Allele origin: not applicable. Functional consequence: retained intron. Not counted in ClinVar's aggregate classification.